The following is an entry in ClinVar:

NM_000159.4(GCDH):c.242C>G (p.Pro81Arg)

Gene: GCDH (glutaryl-CoA dehydrogenase; plus strand). Cytogenetic location: 19p13.13.
Variant type: single nucleotide variant.
Coding change: c.242C>G on transcript NM_000159.4 (MANE Select); coding-DNA position 242, C replaced by G.
Protein change: p.Pro81Arg; replaces proline 81 with arginine.
Molecular consequence: missense variant. On other transcripts: non-coding transcript variant (2).
Genome position (GRCh38, 1-based): chr19:12,891,945, C>G. VCF-style: chr19-12891945-C-G. GRCh37 (hg19) VCF-style: chr19-13002759-C-G.
Other names: c.242C>G (NM_000159.2); c.242C>G, p.Pro81Arg (NM_013976.5); short protein forms P81R.
Identifiers: ClinVar variation 641879 (VCV000641879.12), dbSNP rs780408127, ClinGen allele CA9234284.

ClinVar aggregate classification (germline): Uncertain significance. Review status: criteria provided, multiple submitters, no conflicts (2 of 4 stars). 3 submissions from 3 submitters: Uncertain significance (2). 1 of the submissions does not count toward it. Last evaluated 2026-01-22.

Conditions:
Inborn genetic diseases. Identifiers: MedGen C0950123, MeSH D030342.
Glutaric aciduria, type 1. Also called: Glutaryl-CoA dehydrogenase deficiency; Glutaricaciduria, type I; GA I; Glutaric acidemia type I; Glutaricacidemia Type 1; Glutaric Acidemia Type 1. Identifiers: Orphanet 25, MedGen C0268595, MONDO:0009281, OMIM 231670.

Allele frequency attached by ClinVar (database versions not stated): gnomAD exomes below 0.00001 and 0.00001; ExAC 0.00001; gnomAD 0.00001; TOPMed 0.00001.
gnomAD v4.1: 6 of 1,614,140 alleles (0.00037%); highest among the groups gnomAD compares: African/African-American, 0.0013%; no homozygotes.

Submissions (3):

Labcorp Genetics (formerly Invitae), Labcorp
Classification: Uncertain significance for Glutaric aciduria, type 1. Last evaluated: 2026-01-22. Review status: criteria provided, single submitter. Criteria: Invitae Variant Classification Sherloc (09022015). Collection method: clinical testing. Allele origin: germline.
Comment: This sequence change replaces proline, which is neutral and non-polar, with arginine, which is basic and polar, at codon 81 of the GCDH protein (p.Pro81Arg). This variant is present in population databases (rs780408127, gnomAD 0.0009%). This variant has not been reported in the literature in individuals affected with GCDH-related conditions. ClinVar contains an entry for this variant (Variation ID: 641879). Invitae Evidence Modeling of protein sequence and biophysical properties (such as structural, functional, and spatial information, amino acid conservation, physicochemical variation, residue mobility, and thermodynamic stability) indicates that this missense variant is expected to disrupt GCDH protein function with a positive predictive value of 80%. In summary, the available evidence is currently insufficient to determine the role of this variant in disease. Therefore, it has been classified as a Variant of Uncertain Significance.

Ambry Genetics
Classification: Uncertain significance for Inborn genetic diseases. Last evaluated: 2021-10-01. Review status: criteria provided, single submitter. Criteria: Ambry Variant Classification Scheme 2023. Collection method: clinical testing. Allele origin: germline.
Comment: The p.P81R variant (also known as c.242C>G), located in coding exon 3 of the GCDH gene, results from a C to G substitution at nucleotide position 242. The proline at codon 81 is replaced by arginine, an amino acid with dissimilar properties. This amino acid position is conserved. In addition, this alteration is predicted to be deleterious by in silico analysis. Since supporting evidence is limited at this time, the clinical significance of this alteration remains unclear.

Natera, Inc.
Classification: Uncertain significance for Glutaric acidemia type 1. Last evaluated: 2020-09-16. Review status: no assertion criteria provided. Collection method: clinical testing. Allele origin: germline. Not counted in ClinVar's aggregate classification.